The following is an entry in ClinVar:

NM_003978.5(PSTPIP1):c.212+248T>C

Gene: PSTPIP1 (proline-serine-threonine phosphatase interacting protein 1; plus strand). Cytogenetic location: 15q24.3.
Variant type: single nucleotide variant.
Coding change: c.212+248T>C on transcript NM_003978.5 (MANE Select); 248 bases into the intron after coding-DNA position 212, T replaced by C.
Molecular consequence: intron variant.
Genome position (GRCh38, 1-based): chr15:77,018,779, T>C. VCF-style: chr15-77018779-T-C. GRCh37 (hg19) VCF-style: chr15-77311120-T-C.
Other names: c.407+248T>C (NM_001321137.1); c.185+248T>C (NM_001321136.2); c.212+248T>C (NM_001321135.2).
Identifiers: ClinVar variation 680095 (VCV000680095.1), dbSNP rs112070036, ClinGen allele CA273745382.

ClinVar aggregate classification (germline): Likely benign (1 of 4 stars; one submission).

Allele frequency attached by ClinVar (database versions not stated): gnomAD 0.00849 and 0.00899; TOPMed 0.00915; 1000 Genomes Project 0.00938; 1000 Genomes Project 30x 0.00968.
gnomAD v4.1: 1,274 of 152,210 alleles (0.84%); highest among the groups gnomAD compares: African/African-American, 2.9%; 12 homozygotes.

Submission:

GeneDx
Classification: Likely benign. Last evaluated: 2018-06-14. Review status: criteria provided, single submitter. Criteria: GeneDx Variant Classification (06012015). Collection method: clinical testing. Allele origin: germline. Affected: yes.
Comment: This variant is considered likely benign or benign based on one or more of the following criteria: it is a conservative change, it occurs at a poorly conserved position in the protein, it is predicted to be benign by multiple in silico algorithms, and/or has population frequency not consistent with disease.